The following is an entry in ClinVar:

NM_001135649.3(FOXI3):c.704G>A (p.Arg235His)

Gene: FOXI3 (forkhead box I3; minus strand). Cytogenetic location: 2p11.2.
Variant type: single nucleotide variant.
Coding change: c.704G>A on transcript NM_001135649.3 (MANE Select); coding-DNA position 704, G replaced by A.
Protein change: p.Arg235His; replaces arginine 235 with histidine.
Molecular consequence: missense variant.
Genome position (GRCh38, 1-based): chr2:88,448,766, C>T on the plus strand (G>A on the coding strand, the complement: FOXI3 is on the minus strand). VCF-style: chr2-88448766-C-T. GRCh37 (hg19) VCF-style: chr2-88748285-C-T.
Other names: short protein forms R235H.
Identifiers: ClinVar variation 1361106 (VCV001361106.6), dbSNP rs1675993444, ClinGen allele CA347765447.

ClinVar aggregate classification (germline): Uncertain significance (1 of 4 stars; one submission).

Allele frequency attached by ClinVar (database versions not stated): gnomAD exomes below 0.00001; gnomAD 0.00001; TOPMed 0.00001.

Submission:

Labcorp Genetics (formerly Invitae), Labcorp
Classification: Uncertain significance. Last evaluated: 2022-08-23. Review status: criteria provided, single submitter. Criteria: Invitae Variant Classification Sherloc (09022015). Collection method: clinical testing. Allele origin: germline.
Comment: This sequence change replaces arginine, which is basic and polar, with histidine, which is basic and polar, at codon 235 of the FOXI3 protein (p.Arg235His). In summary, the available evidence is currently insufficient to determine the role of this variant in disease. Therefore, it has been classified as a Variant of Uncertain Significance. Experimental studies and prediction algorithms are not available or were not evaluated, and the functional significance of this variant is currently unknown. ClinVar contains an entry for this variant (Variation ID: 1361106). This variant has not been reported in the literature in individuals affected with FOXI3-related conditions. This variant is not present in population databases (gnomAD no frequency).